The following is an entry in ClinVar:

NM_001376.5(DYNC1H1):c.8343G>A (p.Gln2781=)

Gene: DYNC1H1 (dynein cytoplasmic 1 heavy chain 1; plus strand). Cytogenetic location: 14q32.31.
Variant type: single nucleotide variant.
Coding change: c.8343G>A on transcript NM_001376.5 (MANE Select); coding-DNA position 8343, G replaced by A.
Protein change: p.Gln2781=; no amino-acid change (glutamine 2781 retained).
Molecular consequence: synonymous variant.
Genome position (GRCh38, 1-based): chr14:102,018,616, G>A. VCF-style: chr14-102018616-G-A. GRCh37 (hg19) VCF-style: chr14-102484953-G-A.
Identifiers: ClinVar variation 3703895 (VCV003703895.2).

ClinVar aggregate classification (germline): Uncertain significance (1 of 4 stars; one submission).

Conditions:
Charcot-Marie-Tooth disease axonal type 2O. Also called: CHARCOT-MARIE-TOOTH NEUROPATHY, AXONAL, TYPE 2O; CHARCOT-MARIE-TOOTH DISEASE, AXONAL, AUTOSOMAL DOMINANT, TYPE 2O; Charcot-Marie-Tooth Neuropathy Type 2O; Charcot-Marie-Tooth disease, axonal, type 20. Identifiers: Orphanet 284232, MedGen C3280220, MONDO:0013644, OMIM 614228.

gnomAD v4.1: 4 of 1,613,560 alleles (0.00025%); highest among the groups gnomAD compares: Admixed American, 0.005%; no homozygotes.

Submission:

Labcorp Genetics (formerly Invitae), Labcorp
Classification: Uncertain significance for Charcot-Marie-Tooth disease axonal type 2O. Last evaluated: 2024-09-23. Review status: criteria provided, single submitter. Criteria: Invitae Variant Classification Sherloc (09022015). Collection method: clinical testing. Allele origin: germline.
Comment: This sequence change affects codon 2781 of the DYNC1H1 mRNA. It is a 'silent' change, meaning that it does not change the encoded amino acid sequence of the DYNC1H1 protein. This variant also falls at the last nucleotide of exon 41, which is part of the consensus splice site for this exon. This variant is present in population databases (rs760969139, gnomAD 0.009%). This variant has not been reported in the literature in individuals affected with DYNC1H1-related conditions. Variants that disrupt the consensus splice site are a relatively common cause of aberrant splicing (PMID: 17576681, 9536098). Algorithms developed to predict the effect of sequence changes on RNA splicing suggest that this variant is not likely to affect RNA splicing. In summary, the available evidence is currently insufficient to determine the role of this variant in disease. Therefore, it has been classified as a Variant of Uncertain Significance.

Literature cited by the submitters: PubMed 17576681; PubMed 9536098.